The following is an entry in ClinVar:

ClinVar aggregate classification (germline): Uncertain significance (1 of 4 stars; one submission).

Allele frequency attached by ClinVar (database versions not stated): gnomAD 0.00001; TOPMed 0.00001; gnomAD exomes 0.00003.
gnomAD v4.1: 39 of 1,613,852 alleles (0.0024%); highest among the groups gnomAD compares: Non-Finnish European, 0.0031%; no homozygotes.

Submission:

Labcorp Genetics (formerly Invitae), Labcorp
Classification: Uncertain significance. Last evaluated: 2025-12-29. Review status: criteria provided, single submitter. Criteria: Invitae Variant Classification Sherloc (09022015). Collection method: clinical testing. Allele origin: germline.
Comment: This sequence change falls in intron 4 of the KLHDC8B gene. It does not directly change the encoded amino acid sequence of the KLHDC8B protein. It affects a nucleotide within the consensus splice site. This variant is present in population databases (no rsID available, gnomAD 0.0009%). This variant has not been reported in the literature in individuals affected with KLHDC8B-related conditions. ClinVar contains an entry for this variant (Variation ID: 2744343). Variants that disrupt the consensus splice site are a relatively common cause of aberrant splicing (PMID: 17576681, 9536098). Algorithms developed to predict the effect of sequence changes on RNA splicing suggest that this variant is not likely to affect RNA splicing. In summary, the available evidence is currently insufficient to determine the role of this variant in disease. Therefore, it has been classified as a Variant of Uncertain Significance.

Literature cited by the submitters: PubMed 17576681; PubMed 9536098.

NM_173546.3(KLHDC8B):c.766+3G>A

Gene: KLHDC8B (kelch domain containing 8B; plus strand). Cytogenetic location: 3p21.31.
Variant type: single nucleotide variant.
Coding change: c.766+3G>A on transcript NM_173546.3 (MANE Select); 3 bases into the intron after coding-DNA position 766, G replaced by A.
Molecular consequence: intron variant.
Genome position (GRCh38, 1-based): chr3:49,174,969, G>A. VCF-style: chr3-49174969-G-A. GRCh37 (hg19) VCF-style: chr3-49212402-G-A.
Identifiers: ClinVar variation 2744343 (VCV002744343.3), dbSNP rs1282637457, ClinGen allele CA542807380.